The following continues an entry in ClinVar:

NM_000492.4(CFTR):c.2991G>C (p.Leu997Phe)

ClinVar aggregate classification (germline): Conflicting classifications of pathogenicity. Pathogenic (4); Likely pathogenic (1); Uncertain significance (14); Benign (2); Likely benign (1).

Submissions 21 to 34 of 34:

Illumina Laboratory Services, Illumina
Classification: Uncertain significance for CFTR-Related Disorders. Last evaluated: 2017-04-27. Review status: criteria provided, single submitter. Criteria: ICSL Variant Classification Criteria 13 December 2019. Collection method: clinical testing. Allele origin: germline.
Comment: This variant was observed as part of a predisposition screen in an ostensibly healthy population. A literature search was performed for the gene, cDNA change, and amino acid change (where applicable). Publications were found based on this search. However, the evidence from the literature, in combination with allele frequency data from public databases where available, was not sufficient to rule this variant in or out of causing disease. Therefore, this variant is classified as a variant of unknown significance.

Eurofins Ntd Llc (ga)
Classification: Pathogenic. Last evaluated: 2016-08-12. Review status: criteria provided, single submitter. Criteria: EGL Classification Definitions. Collection method: clinical testing. Allele origin: germline. Observed: 20 variant alleles, 20 heterozygotes.

PreventionGenetics, part of Exact Sciences
Classification: Likely benign for CFTR-related condition. Last evaluated: 2024-09-06. Review status: no assertion criteria provided. Collection method: clinical testing. Allele origin: germline. Not counted in ClinVar's aggregate classification.
Comment: This variant is classified as likely benign based on ACMG/AMP sequence variant interpretation guidelines (Richards et al. 2015 PMID: 25741868, with internal and published modifications).

Molecular Genetics Laboratory, BC Children's and BC Women's Hospitals
Classification: Uncertain significance for CFTR-related disorder. Last evaluated: 2021-10-29. Review status: no assertion criteria provided. Criteria: ACMG Guidelines, 2015. Collection method: clinical testing. Allele origin: germline. Affected: yes. Not counted in ClinVar's aggregate classification.

Genome Diagnostics Laboratory, The Hospital for Sick Children
Classification: Likely pathogenic for CFTR-related disorders. Last evaluated: 2019-08-14. Review status: no assertion criteria provided. Collection method: clinical testing. Allele origin: germline. Not counted in ClinVar's aggregate classification.

Counsyl
Classification: Uncertain significance for Cystic fibrosis. Last evaluated: 2017-03-22. Review status: no assertion criteria provided. Collection method: clinical testing. Allele origin: unknown. Not counted in ClinVar's aggregate classification.

Clinical Molecular Genetics Laboratory, Johns Hopkins All Children's Hospital
Classification: Uncertain significance for Pancreatitis. Last evaluated: 2015-09-15. Review status: no assertion criteria provided. Collection method: clinical testing. Allele origin: germline. Affected: yes. Not counted in ClinVar's aggregate classification.

OMIM
Classification: risk factor for PANCREATITIS, IDIOPATHIC, SUSCEPTIBILITY TO. Last evaluated: 2001-01-01. Review status: no assertion criteria provided. Collection method: literature only. Allele origin: germline. Not counted in ClinVar's aggregate classification.

OMIM
Classification: risk factor for HYPERTRYPSINEMIA, NEONATAL, SUSCEPTIBILITY TO. Last evaluated: 2001-01-01. Review status: no assertion criteria provided. Collection method: literature only. Allele origin: germline. Not counted in ClinVar's aggregate classification.

Clinical Genetics DNA and cytogenetics Diagnostics Lab, Erasmus MC, Erasmus Medical Center
Classification: Uncertain significance. Review status: no assertion criteria provided. Collection method: clinical testing. Allele origin: germline. Affected: yes. Study: VKGL Data-share Consensus. Not counted in ClinVar's aggregate classification.

Diagnostic Laboratory, Department of Genetics, University Medical Center Groningen
Classification: Uncertain significance. Review status: no assertion criteria provided. Collection method: clinical testing. Allele origin: germline. Affected: yes. Study: VKGL Data-share Consensus. Not counted in ClinVar's aggregate classification.

Genome Diagnostics Laboratory, University Medical Center Utrecht
Classification: Uncertain significance. Review status: no assertion criteria provided. Collection method: clinical testing. Allele origin: germline. Affected: yes. Study: VKGL Data-share Consensus. Not counted in ClinVar's aggregate classification.

Joint Genome Diagnostic Labs from Nijmegen and Maastricht, Radboudumc and MUMC+
Classification: Uncertain significance. Review status: no assertion criteria provided. Collection method: clinical testing. Allele origin: germline. Affected: yes. Study: VKGL Data-share Consensus. Not counted in ClinVar's aggregate classification.

MAGI's Lab - Research, MAGI Group
Classification: Uncertain significance for Infertility disorder. Review status: no assertion criteria provided. Collection method: provider interpretation. Allele origin: germline. Affected: yes. Not counted in ClinVar's aggregate classification.

Literature cited by the submitters: PubMed 23891399 (cited by 6 submitters); PubMed 15857421 (cited by 6 submitters); PubMed 21804385 (cited by 6 submitters); PubMed 20021716 (cited by Genome Diagnostics Laboratory, The Hospital for Sick Children and Women's Health and Genetics/Laboratory Corporation of America, LabCorp); PubMed 20460946 (cited by Genome Diagnostics Laboratory, The Hospital for Sick Children and Quest Diagnostics Nichols Institute San Juan Capistrano); PubMed 23751316 (cited by Genome Diagnostics Laboratory, The Hospital for Sick Children); PubMed 23613805 (cited by 3 submitters); PubMed 25033378 (cited by 3 submitters); PubMed 25797027 (cited by 3 submitters); PubMed 20706124 (cited by 6 submitters); PubMed 23974870 (cited by 5 submitters); PubMed 17681820 (cited by 3 submitters); PubMed 27738188 (cited by 3 submitters); PubMed 33374015 (cited by Mayo Clinic Laboratories, Mayo Clinic and Quest Diagnostics Nichols Institute San Juan Capistrano); PubMed 33572515 (cited by Mayo Clinic Laboratories, Mayo Clinic and Quest Diagnostics Nichols Institute San Juan Capistrano); PubMed 33613790 (cited by Mayo Clinic Laboratories, Mayo Clinic and Quest Diagnostics Nichols Institute San Juan Capistrano); PubMed 33946859 (cited by Mayo Clinic Laboratories, Mayo Clinic and Quest Diagnostics Nichols Institute San Juan Capistrano); PubMed 34157366 (cited by Mayo Clinic Laboratories, Mayo Clinic); PubMed 34405919 (cited by Mayo Clinic Laboratories, Mayo Clinic and Quest Diagnostics Nichols Institute San Juan Capistrano); PubMed 34755701 (cited by Mayo Clinic Laboratories, Mayo Clinic and Quest Diagnostics Nichols Institute San Juan Capistrano); PubMed 34761808 (cited by Mayo Clinic Laboratories, Mayo Clinic and Quest Diagnostics Nichols Institute San Juan Capistrano); PubMed 34798985 (cited by Mayo Clinic Laboratories, Mayo Clinic); PubMed 34842364 (cited by Mayo Clinic Laboratories, Mayo Clinic); PubMed 34860163 (cited by Mayo Clinic Laboratories, Mayo Clinic); PubMed 35913788 (cited by Mayo Clinic Laboratories, Mayo Clinic); PubMed 35997436 (cited by Mayo Clinic Laboratories, Mayo Clinic); PubMed 36142302 (cited by Mayo Clinic Laboratories, Mayo Clinic); PubMed 36238659 (cited by Mayo Clinic Laboratories, Mayo Clinic and Quest Diagnostics Nichols Institute San Juan Capistrano); PubMed 36409994 (cited by Mayo Clinic Laboratories, Mayo Clinic and Quest Diagnostics Nichols Institute San Juan Capistrano); PubMed 36446526 (cited by Mayo Clinic Laboratories, Mayo Clinic and Quest Diagnostics Nichols Institute San Juan Capistrano); PubMed 36824420 (cited by Mayo Clinic Laboratories, Mayo Clinic); PubMed 36983403 (cited by Mayo Clinic Laboratories, Mayo Clinic and Quest Diagnostics Nichols Institute San Juan Capistrano); PubMed 37253358 (cited by Mayo Clinic Laboratories, Mayo Clinic); PubMed 37274939 (cited by Mayo Clinic Laboratories, Mayo Clinic and Quest Diagnostics Nichols Institute San Juan Capistrano); PubMed 37313453 (cited by Mayo Clinic Laboratories, Mayo Clinic and Quest Diagnostics Nichols Institute San Juan Capistrano); PubMed 37389024 (cited by Mayo Clinic Laboratories, Mayo Clinic and Quest Diagnostics Nichols Institute San Juan Capistrano); PubMed 37544776 (cited by Mayo Clinic Laboratories, Mayo Clinic); PubMed 37603299 (cited by Mayo Clinic Laboratories, Mayo Clinic); PubMed 37628659 (cited by Mayo Clinic Laboratories, Mayo Clinic and Quest Diagnostics Nichols Institute San Juan Capistrano); PubMed 37823318 (cited by Mayo Clinic Laboratories, Mayo Clinic); PubMed 37895316 (cited by Mayo Clinic Laboratories, Mayo Clinic and Quest Diagnostics Nichols Institute San Juan Capistrano); PubMed 37923102 (cited by Mayo Clinic Laboratories, Mayo Clinic); PubMed 38265526 (cited by Mayo Clinic Laboratories, Mayo Clinic and Quest Diagnostics Nichols Institute San Juan Capistrano); PubMed 38339178 (cited by Mayo Clinic Laboratories, Mayo Clinic); PubMed 38388235 (cited by Mayo Clinic Laboratories, Mayo Clinic); PubMed 38493004 (cited by Mayo Clinic Laboratories, Mayo Clinic); PubMed 38508949 (cited by Mayo Clinic Laboratories, Mayo Clinic); PubMed 38611676 (cited by Mayo Clinic Laboratories, Mayo Clinic); PubMed 38657903 (cited by Mayo Clinic Laboratories, Mayo Clinic); PubMed 38744964 (cited by Mayo Clinic Laboratories, Mayo Clinic); PubMed 38811287 (cited by Mayo Clinic Laboratories, Mayo Clinic); PubMed 38871151 (cited by Mayo Clinic Laboratories, Mayo Clinic); PubMed 38927485 (cited by Mayo Clinic Laboratories, Mayo Clinic); PubMed 38933898 (cited by Mayo Clinic Laboratories, Mayo Clinic); PubMed 39062716 (cited by Mayo Clinic Laboratories, Mayo Clinic); PubMed 39062917 (cited by Mayo Clinic Laboratories, Mayo Clinic); PubMed 39262237 (cited by Mayo Clinic Laboratories, Mayo Clinic); PubMed 39523185 (cited by Mayo Clinic Laboratories, Mayo Clinic); PubMed 39574132 (cited by Mayo Clinic Laboratories, Mayo Clinic); PubMed 39578984 (cited by Mayo Clinic Laboratories, Mayo Clinic); PubMed 40070865 (cited by Mayo Clinic Laboratories, Mayo Clinic); PubMed 29589582 (cited by Quest Diagnostics Nichols Institute San Juan Capistrano); PubMed 9921909 (cited by 3 submitters); PubMed 1379210 (cited by 3 submitters); PubMed 32819855 (cited by Quest Diagnostics Nichols Institute San Juan Capistrano); PubMed 35652053 (cited by Quest Diagnostics Nichols Institute San Juan Capistrano); PubMed 38192426 (cited by Quest Diagnostics Nichols Institute San Juan Capistrano); PubMed 38203285 (cited by Quest Diagnostics Nichols Institute San Juan Capistrano); PubMed 38269366 (cited by Quest Diagnostics Nichols Institute San Juan Capistrano); PubMed 38271453 (cited by Quest Diagnostics Nichols Institute San Juan Capistrano); PubMed 25910067 (cited by Quest Diagnostics Nichols Institute San Juan Capistrano and Ambry Genetics); PubMed 34996830 (cited by Quest Diagnostics Nichols Institute San Juan Capistrano); PubMed 25824995 (cited by 4 submitters); PubMed 23951356 (cited by 3 submitters); PubMed 26708955 (cited by Quest Diagnostics Nichols Institute San Juan Capistrano and Counsyl); PubMed 20837875 (cited by Quest Diagnostics Nichols Institute San Juan Capistrano and Women's Health and Genetics/Laboratory Corporation of America, LabCorp); PubMed 18501000 (cited by Quest Diagnostics Nichols Institute San Juan Capistrano and Women's Health and Genetics/Laboratory Corporation of America, LabCorp); PubMed 10801389 (cited by 4 submitters); PubMed 9272157 (cited by Quest Diagnostics Nichols Institute San Juan Capistrano); PubMed 10875853 (cited by Quest Diagnostics Nichols Institute San Juan Capistrano and Women's Health and Genetics/Laboratory Corporation of America, LabCorp); PubMed 12014388 (cited by 3 submitters); PubMed 12127423 (cited by Quest Diagnostics Nichols Institute San Juan Capistrano); PubMed 17572159 (cited by Quest Diagnostics Nichols Institute San Juan Capistrano and Women's Health and Genetics/Laboratory Corporation of America, LabCorp); PubMed 15463907 (cited by Quest Diagnostics Nichols Institute San Juan Capistrano); PubMed 34949556 (cited by Quest Diagnostics Nichols Institute San Juan Capistrano); PubMed 36264955 (cited by Quest Diagnostics Nichols Institute San Juan Capistrano); PubMed 10571949 (cited by Quest Diagnostics Nichols Institute San Juan Capistrano); PubMed 28129809 (cited by Quest Diagnostics Nichols Institute San Juan Capistrano); PubMed 26911355 (cited by Quest Diagnostics Nichols Institute San Juan Capistrano); PubMed 18178635 (cited by Ambry Genetics); PubMed 23721890 (cited by Ambry Genetics); PubMed 11354633 (cited by Women's Health and Genetics/Laboratory Corporation of America, LabCorp); PubMed 15097853 (cited by Women's Health and Genetics/Laboratory Corporation of America, LabCorp); PubMed 17003641 (cited by Women's Health and Genetics/Laboratory Corporation of America, LabCorp); PubMed 17594397 (cited by Women's Health and Genetics/Laboratory Corporation of America, LabCorp); PubMed 21658649 (cited by Women's Health and Genetics/Laboratory Corporation of America, LabCorp); PubMed 10869121 (cited by Illumina Laboratory Services, Illumina and OMIM); PubMed 11168024 (cited by OMIM); PubMed 8605891 (cited by OMIM).